The following is an entry in ClinVar:

ClinVar aggregate classification (germline): Pathogenic. Review status: reviewed by expert panel (3 of 4 stars). 2 submissions from 2 submitters: Pathogenic (1). 1 of the submissions does not count toward it. Last evaluated 2016-10-18.

Conditions:
Breast-ovarian cancer, familial, susceptibility to, 2 (BROVCA2). Also called: BRCA2 Hereditary Breast and Ovarian Cancer. Identifiers: Orphanet 145, MedGen C2675520, MONDO:0012933, OMIM 612555. Disease mechanism: loss of function.

Submissions (2):

Evidence-based Network for the Interpretation of Germline Mutant Alleles (ENIGMA)
Classification: Pathogenic for Breast-ovarian cancer, familial, susceptibility to, 2. Last evaluated: 2016-10-18. Review status: reviewed by expert panel. Criteria: ENIGMA BRCA1/2 Classification Criteria (2015). Collection method: curation. Allele origin: germline.
Comment: Variant allele predicted to encode a truncated non-functional protein.

Consortium of Investigators of Modifiers of BRCA1/2 (CIMBA), c/o University of Cambridge
Classification: Pathogenic for Breast-ovarian cancer, familial, susceptibility to, 2. Last evaluated: 2015-10-02. Review status: criteria provided, single submitter. Criteria: CIMBA Mutation Classification guidelines May 2016. Collection method: clinical testing. Allele origin: germline. Not counted in ClinVar's aggregate classification.

NM_000059.4(BRCA2):c.9291_9306del (p.Glu3096_Cys3097insTer)

Gene: BRCA2 (BRCA2 DNA repair associated; plus strand). Cytogenetic location: 13q13.1.
Variant type: Deletion.
Coding change: c.9291_9306del on transcript NM_000059.4 (MANE Select); coding-DNA positions 9291 to 9306, 16 bases deleted (TTACAATTTACTGGCA).
Protein change: p.Glu3096_Cys3097insTer.
Molecular consequence: nonsense.
Genome position (GRCh38, 1-based): chr13:32,394,723-32,394,738, TTACAATTTACTGGCA deleted. VCF-style (leftmost placement, unchanged base first): chr13-32394722-GTTACAATTTACTGGCA-G. GRCh37 (hg19) VCF-style: chr13-32968859-GTTACAATTTACTGGCA-G.
Other names: 9519del16.
Identifiers: ClinVar variation 267150 (VCV000267150.5), dbSNP rs886040829, ClinGen allele CA10589556.